The following is an entry in ClinVar:

NM_022132.5(MCCC2):c.738+2T>G

Gene: MCCC2 (methylcrotonyl-CoA carboxylase subunit 2; plus strand). Cytogenetic location: 5q13.2.
Variant type: single nucleotide variant.
Coding change: c.738+2T>G on transcript NM_022132.5 (MANE Select); the canonical splice donor site of the intron after coding-DNA position 738, T replaced by G.
Molecular consequence: splice donor variant. On other transcripts: intron variant (1).
Genome position (GRCh38, 1-based): chr5:71,626,755, T>G. VCF-style: chr5-71626755-T-G. GRCh37 (hg19) VCF-style: chr5-70922582-T-G.
Other names: c.625-5366T>G (NM_001363147.1).
Identifiers: ClinVar variation 2069320 (VCV002069320.4), dbSNP rs2530809001, ClinGen allele CA359983840.

ClinVar aggregate classification (germline): Likely pathogenic (1 of 4 stars; one submission).

Conditions:
3-methylcrotonyl-CoA carboxylase 2 deficiency. Also called: 3 alpha methylcrotonyl-CoA carboxylase 2 deficiency; 3 alpha methylcrotonylglycinuria 2; MCC 2 deficiency; Methylcrotonylglycinuria type 2; METHYLCROTONYLGLYCINURIA, TYPE II. Identifiers: Orphanet 6, MedGen C1859499, MONDO:0008862, OMIM 210210.

Submission:

Labcorp Genetics (formerly Invitae), Labcorp
Classification: Likely pathogenic for 3-methylcrotonyl-CoA carboxylase 2 deficiency. Last evaluated: 2022-01-21. Review status: criteria provided, single submitter. Criteria: Invitae Variant Classification Sherloc (09022015). Collection method: clinical testing. Allele origin: germline.
Comment: In summary, the currently available evidence indicates that the variant is pathogenic, but additional data are needed to prove that conclusively. Therefore, this variant has been classified as Likely Pathogenic. This sequence change affects a donor splice site in intron 7 of the MCCC2 gene. It is expected to disrupt RNA splicing. Variants that disrupt the donor or acceptor splice site typically lead to a loss of protein function (PMID: 16199547), and loss-of-function variants in MCCC2 are known to be pathogenic (PMID: 11181649, 22642865). This variant is not present in population databases (gnomAD no frequency). This variant has not been reported in the literature in individuals affected with MCCC2-related conditions. Algorithms developed to predict the effect of sequence changes on RNA splicing suggest that this variant may disrupt the consensus splice site.

Literature cited by the submitters: PubMed 16199547; PubMed 11181649; PubMed 22642865.